The following is an entry in ClinVar:

ClinVar aggregate classification (germline): Pathogenic (1 of 4 stars; one submission).

Conditions:
Spastic paraplegia. Identifiers: MedGen C0037772, HP:0001258.

Submission:

Labcorp Genetics (formerly Invitae), Labcorp
Classification: Pathogenic for Spastic paraplegia. Last evaluated: 2021-12-03. Review status: criteria provided, single submitter. Criteria: Invitae Variant Classification Sherloc (09022015). Collection method: clinical testing. Allele origin: germline.
Comment: This sequence change results in a frameshift in the GJC2 gene (p.Ala312Argfs*166). While this is not anticipated to result in nonsense mediated decay, it is expected to disrupt the last 128 amino acid(s) of the GJC2 protein and extend the protein by 37 additional amino acid residues. This variant is not present in population databases (gnomAD no frequency). This variant has not been reported in the literature in individuals affected with GJC2-related conditions. This variant results in an extension of the GJC2 protein. Other variant(s) that result in a similarly extended protein product (p.Gly433Argfs*59) have been determined to be pathogenic (PMID: 27057822). This suggests that these extensions are likely to be disease-causing. For these reasons, this variant has been classified as Pathogenic.

Literature cited by the submitters: PubMed 27057822.

NM_020435.4(GJC2):c.914_933dup (p.Ala312fs)

Gene: GJC2 (gap junction protein gamma 2; plus strand). Cytogenetic location: 1q42.13.
Variant type: Duplication.
Coding change: c.914_933dup on transcript NM_020435.4 (MANE Select); coding-DNA positions 914 to 933, 20 bases duplicated (CGGCCTCCGCCCCCGCCCCC).
Protein change: p.Ala312fs; shifts the reading frame from alanine 312.
Molecular consequence: frameshift variant.
Genome position (GRCh38, 1-based): chr1:228,158,672-228,158,691, CGGCCTCCGCCCCCGCCCCC duplicated; duplicating any 20 consecutive bases within chr1:228,158,666-228,158,691 gives the same sequence; the c. name uses the placement nearest the transcript's 3' end. VCF-style (leftmost placement, unchanged base first): chr1-228158665-G-GGCCCCCCGGCCTCCGCCCCC. GRCh37 (hg19) VCF-style: chr1-228346366-G-GGCCCCCCGGCCTCCGCCCCC.
Other names: short protein forms A312fs.
Identifiers: ClinVar variation 1453719 (VCV001453719.6), dbSNP rs2124966792, ClinGen allele CA2573132771.